The following is an entry in ClinVar:

ClinVar aggregate classification (germline): Uncertain significance (1 of 4 stars; one submission).

Conditions:
Asphyxiating thoracic dystrophy 2 (SRTD2). Also called: SHORT-RIB THORACIC DYSPLASIA 2 WITH POLYDACTYLY; SHORT-RIB THORACIC DYSPLASIA 2 WITHOUT POLYDACTYLY; SHORT-RIB THORACIC DYSPLASIA 2 WITH OR WITHOUT POLYDACTYLY. Identifiers: Orphanet 474, MedGen C1970005, MONDO:0012644, OMIM 611263.

gnomAD v4.1: 1 of 1,613,268 alleles (0.000062%); no homozygotes.

Submission:

Juno Genomics, Hangzhou Juno Genomics, Inc
Classification: Uncertain significance for Asphyxiating thoracic dystrophy 2. Review status: criteria provided, single submitter. Criteria: ACMG Guidelines, 2015. Collection method: clinical testing. Allele origin: germline. Affected: yes.
Comment: Absent from controls (or at extremely low frequency if recessive) in Genome Aggregation Database, Exome Sequencing Project, 1000 Genomes Project, or Exome Aggregation Consortium.;Patient's phenotype or family history is highly specific for a disease with a single genetic etiology.;Multiple lines of computational evidence support a deleterious effect on the gene or gene product (conservation, evolutionary, splicing impact, etc).

NM_020800.3(IFT80):c.2066T>A (p.Ile689Asn)

Genes: IFT80 (intraflagellar transport 80; minus strand), TRIM59-IFT80 (TRIM59-IFT80 readthrough (NMD candidate); minus strand). Cytogenetic location: 3q25.33.
Variant type: single nucleotide variant.
Coding change: c.2066T>A on transcript NM_020800.3 (MANE Select); coding-DNA position 2066, T replaced by A.
Protein change: p.Ile689Asn; replaces isoleucine 689 with asparagine.
Molecular consequence: missense variant. On other transcripts: non-coding transcript variant (3).
Genome position (GRCh38, 1-based): chr3:160,277,339, A>T on the plus strand (T>A on the coding strand, the complement: IFT80 is on the minus strand). VCF-style: chr3-160277339-A-T. GRCh37 (hg19) VCF-style: chr3-159995127-A-T.
Other names: c.1655T>A, p.Ile552Asn (NM_001190241.2, NM_001190242.2); short protein forms I552N, I689N.
Identifiers: ClinVar variation 3382757 (VCV003382757.2).